The following is an entry in ClinVar:

NM_172351.3(CD46):c.949C>G (p.Pro317Ala)

Gene: CD46 (CD46 molecule; plus strand). Cytogenetic location: 1q32.2.
Variant type: single nucleotide variant.
Coding change: c.949C>G on transcript NM_172351.3 (MANE Select); coding-DNA position 949, C replaced by G.
Protein change: p.Pro317Ala; replaces proline 317 with alanine.
Molecular consequence: missense variant.
Genome position (GRCh38, 1-based): chr1:207,783,297, C>G. VCF-style: chr1-207783297-C-G. GRCh37 (hg19) VCF-style: chr1-207956642-C-G.
Other names: c.994C>G, p.Pro332Ala (LRG_155t1, NM_002389.4, NM_172359.3); c.949C>G, p.Pro317Ala (NM_153826.4, NM_172358.3); c.904C>G, p.Pro302Ala (NM_172350.3, NM_172352.3, NM_172353.3); c.907C>G, p.Pro303Ala (NM_172355.3, NM_172356.3); c.862C>G, p.Pro288Ala (NM_172357.3, NM_172361.3); short protein forms P332A, P302A, P317A, P288A, P303A.
Identifiers: ClinVar variation 294974 (VCV000294974.8), dbSNP rs886045838, ClinGen allele CA10609582.

ClinVar aggregate classification (germline): Uncertain significance. Review status: criteria provided, multiple submitters, no conflicts (2 of 4 stars). 2 submissions from 2 submitters: Uncertain significance (2). Last evaluated 2023-08-22.

Conditions:
Atypical hemolytic-uremic syndrome with MCP/CD46 anomaly. Also called: HEMOLYTIC UREMIC SYNDROME, ATYPICAL, SUSCEPTIBILITY TO, 2; AHUS, SUSCEPTIBILITY TO, 2. Identifiers: Orphanet 2134, MedGen C2752040, MONDO:0013040, OMIM 612922.

Allele frequency attached by ClinVar (database versions not stated): gnomAD exomes 0.00001.
gnomAD v4.1: 4 of 1,498,462 alleles (0.00027%); highest among the groups gnomAD compares: Non-Finnish European, 0.00037%; no homozygotes.

Submissions (2):

Labcorp Genetics (formerly Invitae), Labcorp
Classification: Uncertain significance. Last evaluated: 2023-08-22. Review status: criteria provided, single submitter. Criteria: Invitae Variant Classification Sherloc (09022015). Collection method: clinical testing. Allele origin: germline.
Comment: An algorithm developed to predict the effect of missense changes on protein structure and function (PolyPhen-2) suggests that this variant is likely to be disruptive. In summary, the available evidence is currently insufficient to determine the role of this variant in disease. Therefore, it has been classified as a Variant of Uncertain Significance. ClinVar contains an entry for this variant (Variation ID: 294974). This sequence change replaces proline, which is neutral and non-polar, with alanine, which is neutral and non-polar, at codon 332 of the CD46 protein (p.Pro332Ala). This variant is not present in population databases (gnomAD no frequency). This variant has not been reported in the literature in individuals affected with CD46-related conditions.

Illumina Laboratory Services, Illumina
Classification: Uncertain significance for Atypical hemolytic-uremic syndrome with MCP/CD46 anomaly. Last evaluated: 2018-01-12. Review status: criteria provided, single submitter. Criteria: ICSL Variant Classification Criteria 13 December 2019. Collection method: clinical testing. Allele origin: germline.